The following is an entry in ClinVar:

NM_001378452.1(ITPR1):c.4658-3C>T

Genes: BRRIAR (BHLHE40 and RIG-I regulating ITPR1 antisense RNA; minus strand), ITPR1 (inositol 1,4,5-trisphosphate receptor type 1; plus strand). Cytogenetic location: 3p26.1.
Variant type: single nucleotide variant.
Coding change: c.4658-3C>T on transcript NM_001378452.1 (MANE Select); 3 bases into the intron before coding-DNA position 4658, C replaced by T.
Molecular consequence: intron variant.
Genome position (GRCh38, 1-based): chr3:4,706,164, C>T. VCF-style: chr3-4706164-C-T. GRCh37 (hg19) VCF-style: chr3-4747848-C-T.
Other names: c.4631-3C>T (NM_001099952.4); c.4613-3C>T (NM_001168272.2); c.4586-3C>T (NM_002222.7, NM_002222.5).
Identifiers: ClinVar variation 1206564 (VCV001206564.12), dbSNP rs779986666, ClinGen allele CA2232087.

ClinVar aggregate classification (germline): Conflicting classifications of pathogenicity. Review status: criteria provided, conflicting classifications (1 of 4 stars). 4 submissions from 4 submitters: Uncertain significance (2); Likely benign (1). 1 of the submissions does not count toward it. Last evaluated 2025-11-03.

Conditions:
Inborn genetic diseases. Identifiers: MedGen C0950123, MeSH D030342.
ITPR1-related disorder. Also called: ITPR1-related condition.

Allele frequency attached by ClinVar (database versions not stated): gnomAD 0.00001; ExAC 0.00003; gnomAD exomes 0.00003 and 0.00004; TOPMed 0.00003.
gnomAD v4.1: 17 of 1,613,888 alleles (0.0011%); highest among the groups gnomAD compares: Admixed American, 0.027%; no homozygotes.

Submissions (4):

Labcorp Genetics (formerly Invitae), Labcorp
Classification: Uncertain significance. Last evaluated: 2025-11-03. Review status: criteria provided, single submitter. Criteria: Invitae Variant Classification Sherloc (09022015). Collection method: clinical testing. Allele origin: germline.
Comment: This sequence change falls in intron 35 of the ITPR1 gene. It does not directly change the encoded amino acid sequence of the ITPR1 protein. It affects a nucleotide within the consensus splice site. This variant is present in population databases (rs779986666, gnomAD 0.03%). This variant has not been reported in the literature in individuals affected with ITPR1-related conditions. ClinVar contains an entry for this variant (Variation ID: 1206564). Variants that disrupt the consensus splice site are a relatively common cause of aberrant splicing (PMID: 17576681, 9536098). Algorithms developed to predict the effect of sequence changes on RNA splicing suggest that this variant is not likely to affect RNA splicing. In summary, the available evidence is currently insufficient to determine the role of this variant in disease. Therefore, it has been classified as a Variant of Uncertain Significance.

Ambry Genetics
Classification: Uncertain significance for Inborn genetic diseases. Last evaluated: 2025-10-14. Review status: criteria provided, single submitter. Criteria: Ambry Variant Classification Scheme 2023. Collection method: clinical testing. Allele origin: germline.
Comment: The c.4586-3C>T intronic alteration consists of a C to T substitution 3 nucleotides before coding exon 34 in the ITPR1 gene. Based on data from gnomAD, the T allele has an overall frequency of 0.004% (11/249150) total alleles studied. The highest observed frequency was 0.032% (11/34522) of Latino alleles. Based on insufficient or conflicting evidence, the clinical significance of this alteration remains unclear.

GeneDx
Classification: Likely benign. Last evaluated: 2021-01-19. Review status: criteria provided, single submitter. Criteria: GeneDx Variant Classification Process June 2021. Collection method: clinical testing. Allele origin: germline. Affected: yes.

PreventionGenetics, part of Exact Sciences
Classification: Likely benign for ITPR1-related condition. Last evaluated: 2024-01-18. Review status: no assertion criteria provided. Collection method: clinical testing. Allele origin: germline. Not counted in ClinVar's aggregate classification.
Comment: This variant is classified as likely benign based on ACMG/AMP sequence variant interpretation guidelines (Richards et al. 2015 PMID: 25741868, with internal and published modifications).

Literature cited by the submitters: PubMed 17576681 (cited by Labcorp Genetics (formerly Invitae), Labcorp); PubMed 9536098 (cited by Labcorp Genetics (formerly Invitae), Labcorp).